The following is an entry in ClinVar:

NM_005228.5(EGFR):c.2306T>C (p.Val769Ala)

Genes: EGFR-AS1 (EGFR antisense RNA 1; minus strand), EGFR (epidermal growth factor receptor; plus strand). Cytogenetic location: 7p11.2.
Variant type: single nucleotide variant.
Coding change: c.2306T>C on transcript NM_005228.5 (MANE Select); coding-DNA position 2306, T replaced by C.
Protein change: p.Val769Ala; replaces valine 769 with alanine.
Molecular consequence: missense variant. On other transcripts: non-coding transcript variant (1).
Genome position (GRCh38, 1-based): chr7:55,181,315, T>C. VCF-style: chr7-55181315-T-C. GRCh37 (hg19) VCF-style: chr7-55249008-T-C.
Other names: c.2171T>C, p.Val724Ala (NM_001346897.2, NM_001346899.2); c.2306T>C, p.Val769Ala (NM_001346898.2); c.2147T>C, p.Val716Ala (NM_001346900.2); c.1505T>C, p.Val502Ala (NM_001346941.2); short protein forms V724A, V716A, V502A, V769A.
Identifiers: ClinVar variation 2799850 (VCV002799850.3), dbSNP rs2534768826, ClinGen allele CA367578616.
Genomic context (GRCh38, chr7:55,181,315, plus strand): 5'-ATGCGAAGCCACACTGACGTGCCTCTCCCTCCCTCCAGGAAGCCTACGTGATGGCCAGCG[T>C]GGACAACCCCCACGTGTGCCGCCTGCTGGGCATCTGCCTCACCTCCACCGTGCAGCTCAT-3'
Protein context (NP_005219.2, residues 759-779): ILDEAYVMAS[Val769Ala]DNPHVCRLLG

ClinVar aggregate classification (germline): Uncertain significance (1 of 4 stars; one submission).

Conditions:
EGFR-related lung cancer (EGFR). Identifiers: MedGen CN130014.

Submission:

Labcorp Genetics (formerly Invitae), Labcorp
Classification: Uncertain significance for EGFR-related lung cancer. Last evaluated: 2023-12-09. Review status: criteria provided, single submitter. Criteria: Invitae Variant Classification Sherloc (09022015). Collection method: clinical testing. Allele origin: germline.
Comment: This sequence change replaces valine, which is neutral and non-polar, with alanine, which is neutral and non-polar, at codon 769 of the EGFR protein (p.Val769Ala). This variant is not present in population databases (gnomAD no frequency). This variant has not been reported in the literature in individuals affected with EGFR-related conditions. Advanced modeling of protein sequence and biophysical properties (such as structural, functional, and spatial information, amino acid conservation, physicochemical variation, residue mobility, and thermodynamic stability) performed at Invitae indicates that this missense variant is not expected to disrupt EGFR protein function with a negative predictive value of 80%. In summary, the available evidence is currently insufficient to determine the role of this variant in disease. Therefore, it has been classified as a Variant of Uncertain Significance.